The following is an entry in ClinVar:

NM_138387.4(G6PC3):c.146C>T (p.Ala49Val)

Genes: G6PC3 (glucose-6-phosphatase catalytic subunit 3; plus strand), LOC130060959 (ATAC-STARR-seq lymphoblastoid active region 12250; plus strand). Cytogenetic location: 17q21.31.
Variant type: single nucleotide variant.
Coding change: c.146C>T on transcript NM_138387.4 (MANE Select); coding-DNA position 146, C replaced by T.
Protein change: p.Ala49Val; replaces alanine 49 with valine.
Molecular consequence: missense variant. On other transcripts: 5 prime UTR variant (3), intron variant (1).
Genome position (GRCh38, 1-based): chr17:44,071,111, C>T. VCF-style: chr17-44071111-C-T. GRCh37 (hg19) VCF-style: chr17-42148479-C-T.
Other names: c.146C>T, p.Ala49Val (NM_001319945.2); c.-259C>T (NM_001384165.1); c.-394C>T (NM_001384166.1); c.-384C>T (NM_001384167.1); c.-312+397C>T (NM_001384168.1); short protein forms A49V.
Identifiers: ClinVar variation 1951776 (VCV001951776.4), dbSNP rs2509357856, ClinGen allele CA399746135.

ClinVar aggregate classification (germline): Uncertain significance. Review status: criteria provided, multiple submitters, no conflicts (2 of 4 stars). 2 submissions from 2 submitters: Uncertain significance (2). Last evaluated 2025-03-26.

Conditions:
Autosomal recessive severe congenital neutropenia due to G6PC3 deficiency. Also called: G6PC3 Deficiency; NEUTROPENIA, SEVERE CONGENITAL, 4, AUTOSOMAL RECESSIVE. Identifiers: Orphanet 331176, MedGen C2751630, MONDO:0012930, OMIM 612541.
Inborn genetic diseases. Identifiers: MedGen C0950123, MeSH D030342.

Allele frequency attached by ClinVar (database versions not stated): gnomAD exomes 0.00001.

Submissions (2):

Ambry Genetics
Classification: Uncertain significance for Inborn genetic diseases. Last evaluated: 2025-03-26. Review status: criteria provided, single submitter. Criteria: Ambry Variant Classification Scheme 2023. Collection method: clinical testing. Allele origin: germline.
Comment: The p.A49V variant (also known as c.146C>T), located in coding exon 1 of the G6PC3 gene, results from a C to T substitution at nucleotide position 146. The alanine at codon 49 is replaced by valine, an amino acid with similar properties. This amino acid position is conserved. In addition, this alteration is predicted to be tolerated by in silico analysis. Based on the available evidence, the clinical significance of this variant remains unclear.

Labcorp Genetics (formerly Invitae), Labcorp
Classification: Uncertain significance for Autosomal recessive severe congenital neutropenia due to G6PC3 deficiency. Last evaluated: 2022-08-06. Review status: criteria provided, single submitter. Criteria: Invitae Variant Classification Sherloc (09022015). Collection method: clinical testing. Allele origin: germline.
Comment: This sequence change replaces alanine, which is neutral and non-polar, with valine, which is neutral and non-polar, at codon 49 of the G6PC3 protein (p.Ala49Val). In summary, the available evidence is currently insufficient to determine the role of this variant in disease. Therefore, it has been classified as a Variant of Uncertain Significance. Algorithms developed to predict the effect of missense changes on protein structure and function output the following: SIFT: "Tolerated"; PolyPhen-2: "Benign"; Align-GVGD: "Class C0". The valine amino acid residue is found in multiple mammalian species, which suggests that this missense change does not adversely affect protein function. This variant has not been reported in the literature in individuals affected with G6PC3-related conditions. This variant is not present in population databases (gnomAD no frequency).